The following is an entry in ClinVar:

NM_003906.5(MCM3AP):c.5706C>T (p.Leu1902=)

Genes: MCM3AP (minichromosome maintenance complex component 3 associated protein; minus strand), MCM3AP-AS1 (MCM3AP antisense RNA 1; plus strand). Cytogenetic location: 21q22.3.
Variant type: single nucleotide variant.
Coding change: c.5706C>T on transcript NM_003906.5 (MANE Select); coding-DNA position 5706, C replaced by T.
Protein change: p.Leu1902=; no amino-acid change (leucine 1902 retained).
Molecular consequence: synonymous variant.
Genome position (GRCh38, 1-based): chr21:46,236,907, G>A on the plus strand (C>T on the coding strand, the complement: MCM3AP is on the minus strand). VCF-style: chr21-46236907-G-A. GRCh37 (hg19) VCF-style: chr21-47656821-G-A.
Identifiers: ClinVar variation 4084855 (VCV004084855.8).
Genomic context (GRCh38, chr21:46,236,907, plus strand): 5'-AGATGTTTTCATCACAGGTTCAATAGTGTGAGAAAGAGACACTAGAGTCTGAGGAAGATA[G>A]AGGGGAAGGGAAGTTAAATCCGTAAATGCTCCTGAGTCTTCAGACAACCATTGCTGAAGC-3'
Protein context (NP_003897.2, residues 1892-1912): GAFTDLTSLP[Leu1902=]YLPQTLVSLS

ClinVar aggregate classification (germline): Likely benign (1 of 4 stars; one submission).

gnomAD v4.1: 1 of 1,574,368 alleles (0.000064%); highest among the groups gnomAD compares: Non-Finnish European, 0.000086%; no homozygotes.

Submission:

CeGaT Center for Human Genetics Tuebingen
Classification: Likely benign. Last evaluated: 2025-07-01. Review status: criteria provided, single submitter. Criteria: CeGaT Center For Human Genetics Tuebingen Variant Classification Criteria Version 2. Collection method: clinical testing. Allele origin: germline. Affected: yes. Observed: 1 variant allele.
Comment: MCM3AP: BP4, BP7